The following is an entry in ClinVar:

NM_020207.7(ERCC6L2):c.2827G>C (p.Asp943His)

Gene: ERCC6L2 (ERCC excision repair 6 like 2; plus strand). Cytogenetic location: 9q22.32.
Variant type: single nucleotide variant.
Coding change: c.2827G>C on transcript NM_020207.7 (MANE Select); coding-DNA position 2827, G replaced by C.
Protein change: p.Asp943His; replaces aspartic acid 943 with histidine.
Molecular consequence: missense variant. On other transcripts: non-coding transcript variant (1).
Genome position (GRCh38, 1-based): chr9:95,972,578, G>C. VCF-style: chr9-95972578-G-C. GRCh37 (hg19) VCF-style: chr9-98734860-G-C.
Other names: c.2827G>C, p.Asp943His (NM_001375291.1, NM_001375292.1, NM_001375293.1 and 1 more transcripts); short protein forms D943H.
Identifiers: ClinVar variation 3652001 (VCV003652001.2).

ClinVar aggregate classification (germline): Uncertain significance (1 of 4 stars; one submission).

gnomAD v4.1: 1 of 1,289,390 alleles (0.000078%); highest among the groups gnomAD compares: African/African-American, 0.0015%; no homozygotes.

Submission:

Labcorp Genetics (formerly Invitae), Labcorp
Classification: Uncertain significance. Last evaluated: 2024-05-02. Review status: criteria provided, single submitter. Criteria: Invitae Variant Classification Sherloc (09022015). Collection method: clinical testing. Allele origin: germline.
Comment: This sequence change replaces aspartic acid, which is acidic and polar, with histidine, which is basic and polar, at codon 954 of the ERCC6L2 protein (p.Asp954His). This variant is not present in population databases (gnomAD no frequency). This variant has not been reported in the literature in individuals affected with ERCC6L2-related conditions. Experimental studies and prediction algorithms are not available or were not evaluated, and the functional significance of this variant is currently unknown. In summary, the available evidence is currently insufficient to determine the role of this variant in disease. Therefore, it has been classified as a Variant of Uncertain Significance.